The following is an entry in ClinVar:

ClinVar aggregate classification (germline): Uncertain significance (1 of 4 stars; one submission).

gnomAD v4.1: 13 of 1,613,954 alleles (0.00081%); highest among the groups gnomAD compares: Non-Finnish European, 0.0011%; no homozygotes.

Submission:

GeneDx
Classification: Uncertain significance. Last evaluated: 2026-04-01. Review status: criteria provided, single submitter. Criteria: GeneDx Variant Classification Process June 2021. Collection method: clinical testing. Allele origin: germline.
Comment: Not observed at significant frequency in large population cohorts (gnomAD); In silico analysis supports that this missense variant has a deleterious effect on protein structure/function; Has not been previously published as pathogenic or benign to our knowledge

NM_016356.5(DCDC2):c.371G>T (p.Arg124Met)

Gene: DCDC2 (doublecortin domain containing 2; minus strand). Cytogenetic location: 6p22.3.
Variant type: single nucleotide variant.
Coding change: c.371G>T on transcript NM_016356.5 (MANE Select); coding-DNA position 371, G replaced by T.
Protein change: p.Arg124Met; replaces arginine 124 with methionine.
Molecular consequence: missense variant.
Genome position (GRCh38, 1-based): chr6:24,302,022, C>A on the plus strand (G>T on the coding strand, the complement: DCDC2 is on the minus strand). VCF-style: chr6-24302022-C-A. GRCh37 (hg19) VCF-style: chr6-24302250-C-A.
Other names: c.371G>T, p.Arg124Met (NM_001195610.2); short protein forms R124M.
Identifiers: ClinVar variation 5017197 (VCV005017197.1).